The following is an entry in ClinVar:

NM_000292.3(PHKA2):c.2977A>G (p.Thr993Ala)

Gene: PHKA2 (phosphorylase kinase regulatory subunit alpha 2; minus strand). Cytogenetic location: Xp22.13.
Variant type: single nucleotide variant.
Coding change: c.2977A>G on transcript NM_000292.3 (MANE Select); coding-DNA position 2977, A replaced by G.
Protein change: p.Thr993Ala; replaces threonine 993 with alanine.
Molecular consequence: missense variant.
Genome position (GRCh38, 1-based): chrX:18,901,535, T>C on the plus strand (A>G on the coding strand, the complement: PHKA2 is on the minus strand). VCF-style: chrX-18901535-T-C. GRCh37 (hg19) VCF-style: chrX-18919653-T-C.
Other names: short protein forms T993A.
Identifiers: ClinVar variation 3657787 (VCV003657787.2).
Genomic context (GRCh38, chrX:18,901,535, plus strand): 5'-GTGTTCTTACCTGTTTCATTTCACTCCTCAGTCTGTTAATGCCACTCCTCTCAGTTTTGG[T>C]GACTCCGGTATGGCCCACCTCGTGGATGGAGATGGTAGGGCTGGATGTGGAGGAGTGGAT-3'
Protein context (NP_000283.1, residues 983-1003): SIHEVGHTGV[Thr993Ala]KTERSGINRL

ClinVar aggregate classification (germline): Uncertain significance (1 of 4 stars; one submission).

Conditions:
Glycogen storage disease IXa1. Also called: LIVER GLYCOGENOSIS, X-LINKED, TYPE I; GLYCOGEN STORAGE DISEASE VIII; GSD VIII; Glycogen storage disease 8. Identifiers: Orphanet 264580, MedGen C3694531, MONDO:0010598, OMIM 306000.

Submission:

Labcorp Genetics (formerly Invitae), Labcorp
Classification: Uncertain significance for Glycogen storage disease IXa1. Last evaluated: 2024-06-25. Review status: criteria provided, single submitter. Criteria: Invitae Variant Classification Sherloc (09022015). Collection method: clinical testing. Allele origin: germline.
Comment: This sequence change replaces threonine, which is neutral and polar, with alanine, which is neutral and non-polar, at codon 993 of the PHKA2 protein (p.Thr993Ala). This variant is not present in population databases (gnomAD no frequency). This variant has not been reported in the literature in individuals affected with PHKA2-related conditions. Advanced modeling of protein sequence and biophysical properties (such as structural, functional, and spatial information, amino acid conservation, physicochemical variation, residue mobility, and thermodynamic stability) performed at Invitae indicates that this missense variant is not expected to disrupt PHKA2 protein function with a negative predictive value of 80%. In summary, the available evidence is currently insufficient to determine the role of this variant in disease. Therefore, it has been classified as a Variant of Uncertain Significance.